The following is an entry in ClinVar:

NM_000944.5(PPP3CA):c.706C>G (p.Leu236Val)

Gene: PPP3CA (protein phosphatase 3 catalytic subunit alpha; minus strand). Cytogenetic location: 4q24.
Variant type: single nucleotide variant.
Coding change: c.706C>G on transcript NM_000944.5 (MANE Select); coding-DNA position 706, C replaced by G.
Protein change: p.Leu236Val; replaces leucine 236 with valine.
Molecular consequence: missense variant.
Genome position (GRCh38, 1-based): chr4:101,093,852, G>C on the plus strand (C>G on the coding strand, the complement: PPP3CA is on the minus strand). VCF-style: chr4-101093852-G-C. GRCh37 (hg19) VCF-style: chr4-102015009-G-C.
Other names: c.706C>G, p.Leu236Val (NM_001130691.2, NM_001130692.2); short protein forms L236V.
Identifiers: ClinVar variation 2711871 (VCV002711871.3), dbSNP rs756099128, ClinGen allele CA3024426.

ClinVar aggregate classification (germline): Uncertain significance (1 of 4 stars; one submission).

Allele frequency attached by ClinVar (database versions not stated): ExAC 0.00001; TOPMed 0.00002; gnomAD 0.00003.
gnomAD v4.1: 33 of 1,613,448 alleles (0.002%); highest among the groups gnomAD compares: Non-Finnish European, 0.0027%; no homozygotes.

Submission:

Labcorp Genetics (formerly Invitae), Labcorp
Classification: Uncertain significance. Last evaluated: 2023-10-12. Review status: criteria provided, single submitter. Criteria: Invitae Variant Classification Sherloc (09022015). Collection method: clinical testing. Allele origin: germline.
Comment: This sequence change replaces leucine, which is neutral and non-polar, with valine, which is neutral and non-polar, at codon 236 of the PPP3CA protein (p.Leu236Val). This variant is present in population databases (rs756099128, gnomAD 0.002%). This variant has not been reported in the literature in individuals affected with PPP3CA-related conditions. Advanced modeling of protein sequence and biophysical properties (such as structural, functional, and spatial information, amino acid conservation, physicochemical variation, residue mobility, and thermodynamic stability) performed at Invitae indicates that this missense variant is not expected to disrupt PPP3CA protein function. In summary, the available evidence is currently insufficient to determine the role of this variant in disease. Therefore, it has been classified as a Variant of Uncertain Significance.